The following is an entry in ClinVar:

ClinVar aggregate classification (germline): Benign/Likely benign. Review status: criteria provided, multiple submitters, no conflicts (2 of 4 stars). 15 submissions from 15 submitters: Benign (7); Likely benign (4). 4 of the submissions do not count toward it. Last evaluated 2026-06-01.

Conditions:
TSC2-related disorder. Also called: TSC2-related condition; TSC2-Related Disorders.
Hereditary cancer-predisposing syndrome. Also called: Hereditary Cancer Syndrome; Tumor predisposition; Neoplastic Syndromes, Hereditary; Hereditary neoplastic syndrome. Identifiers: Orphanet 140162, MedGen C0027672, MeSH D009386, MONDO:0015356.
Tuberous sclerosis syndrome (TSC). Also called: Tuberous Sclerosis Complex; Tuberous sclerosis. Identifiers: Orphanet 805, MedGen C0041341, MONDO:0001734.
Tuberous sclerosis 2 (TSC2). Identifiers: Orphanet 805, MedGen C1860707, MONDO:0013199, OMIM 613254.

Allele frequency attached by ClinVar (database versions not stated): 1000 Genomes Project 0.00040; 1000 Genomes Project 30x 0.00031.
gnomAD v4.1: 94 of 1,612,872 alleles (0.0058%); highest among the groups gnomAD compares: East Asian, 0.087%; 1 homozygote.

Submissions (15):

CeGaT Center for Human Genetics Tuebingen
Classification: Likely benign. Last evaluated: 2026-06-01. Review status: criteria provided, single submitter. Criteria: CeGaT Center For Human Genetics Tuebingen Variant Classification Criteria Version 2. Collection method: clinical testing. Allele origin: germline. Affected: yes. Observed: 2 variant alleles.
Comment: TSC2: BP4, BP7

Labcorp Genetics (formerly Invitae), Labcorp
Classification: Benign for Tuberous sclerosis 2. Last evaluated: 2026-02-03. Review status: criteria provided, single submitter. Criteria: Invitae Variant Classification Sherloc (09022015). Collection method: clinical testing. Allele origin: germline.

Myriad Genetics, Inc.
Classification: Benign for Tuberous sclerosis 2. Last evaluated: 2025-05-28. Review status: criteria provided, single submitter. Criteria: Myriad Autosomal Dominant, Autosomal Recessive and X-Linked Classification Criteria (2023). Collection method: clinical testing. Allele origin: unknown.
Comment: This variant is considered benign. This variant is a silent/synonymous amino acid change and it is not expected to impact splicing.

Women's Health and Genetics/Laboratory Corporation of America, LabCorp
Classification: Benign. Last evaluated: 2025-01-30. Review status: criteria provided, single submitter. Criteria: LabCorp Variant Classification Summary - May 2015. Collection method: clinical testing. Allele origin: germline.

Blueprint Genetics
Classification: Likely benign. Last evaluated: 2024-10-22. Review status: criteria provided, single submitter. Criteria: ACMG Guidelines, 2015. Collection method: clinical testing. Allele origin: germline.

KCCC/NGS Laboratory, Kuwait Cancer Control Center
Classification: Benign for Tuberous sclerosis 2. Last evaluated: 2023-07-07. Review status: criteria provided, single submitter. Criteria: ACMG Guidelines, 2015. Collection method: clinical testing. Allele origin: germline. Affected: yes.

Color Diagnostics, LLC DBA Color Health
Classification: Benign for Tuberous sclerosis syndrome. Last evaluated: 2022-09-28. Review status: criteria provided, single submitter. Criteria: ACMG Guidelines, 2015. Collection method: clinical testing. Allele origin: germline.

Genome-Nilou Lab
Classification: Benign for Tuberous sclerosis 2. Last evaluated: 2021-11-07. Review status: criteria provided, single submitter. Criteria: ACMG Guidelines, 2015. Collection method: clinical testing. Allele origin: germline. Affected: no.

Sema4
Classification: Likely benign for Hereditary cancer-predisposing syndrome. Last evaluated: 2020-09-16. Review status: criteria provided, single submitter. Criteria: Sema4 Curation Guidelines. Collection method: curation. Allele origin: germline.

Ambry Genetics
Classification: Likely benign for Hereditary cancer-predisposing syndrome. Last evaluated: 2014-08-19. Review status: criteria provided, single submitter. Criteria: Ambry Variant Classification Scheme 2023. Collection method: clinical testing. Allele origin: germline.

GeneDx
Classification: Benign. Last evaluated: 2014-04-21. Review status: criteria provided, single submitter. Criteria: GeneDx Variant Classification (06012015). Collection method: clinical testing. Allele origin: germline. Affected: yes.
Comment: This variant is considered likely benign or benign based on one or more of the following criteria: it is a conservative change, it occurs at a poorly conserved position in the protein, it is predicted to be benign by multiple in silico algorithms, and/or has population frequency not consistent with disease.

PreventionGenetics, part of Exact Sciences
Classification: Benign for TSC2-related condition. Last evaluated: 2020-01-21. Review status: no assertion criteria provided. Collection method: clinical testing. Allele origin: germline. Not counted in ClinVar's aggregate classification.
Comment: This variant is classified as benign based on ACMG/AMP sequence variant interpretation guidelines (Richards et al. 2015 PMID: 25741868, with internal and published modifications).

Clinical Genetics DNA and cytogenetics Diagnostics Lab, Erasmus MC, Erasmus Medical Center
Classification: Likely benign. Review status: no assertion criteria provided. Collection method: clinical testing. Allele origin: germline. Affected: yes. Study: VKGL Data-share Consensus. Not counted in ClinVar's aggregate classification.

Genome Diagnostics Laboratory, Amsterdam University Medical Center
Classification: Benign. Review status: no assertion criteria provided. Collection method: clinical testing. Allele origin: germline. Affected: yes. Study: VKGL Data-share Consensus. Not counted in ClinVar's aggregate classification.

Tuberous sclerosis database (TSC2)
No classification provided. Condition: TSC. Review status: no classification provided. Criteria: Tuberous Sclerosis Database Assertion Criteria 2015. Collection method: curation. Allele origin: germline. Affected: yes. Not counted in ClinVar's aggregate classification.

NM_000548.5(TSC2):c.3126G>T (p.Pro1042=)

Gene: TSC2 (TSC complex subunit 2; plus strand). Cytogenetic location: 16p13.3.
Variant type: single nucleotide variant.
Coding change: c.3126G>T on transcript NM_000548.5 (MANE Select); coding-DNA position 3126, G replaced by T.
Protein change: p.Pro1042=; no amino-acid change (proline 1042 retained).
Molecular consequence: synonymous variant.
Genome position (GRCh38, 1-based): chr16:2,079,191, G>T. VCF-style: chr16-2079191-G-T. GRCh37 (hg19) VCF-style: chr16-2129192-G-T.
Other names: p.P1042P:CCG>CCT; c.3126G>T (NM_000548.4); c.2994G>T, p.Pro998= (NM_001077183.3, NM_001370404.1); c.3126G>T, p.Pro1042= (NM_001114382.3); c.2886G>T, p.Pro962= (NM_001318827.2); c.2850G>T, p.Pro950= (NM_001318829.2); c.2394G>T, p.Pro798= (NM_001318831.2); c.3027G>T, p.Pro1009= (NM_001318832.2); and 1 more.
Identifiers: ClinVar variation 49740 (VCV000049740.33), dbSNP rs36078782, ClinGen allele CA018563.
Genomic context (GRCh38, chr16:2,079,191, plus strand): 5'-CACGGAAACCTGTCTGGACATGATGGCTCGATACGTCTTCTCCAACTTCACGGCTGTCCC[G>T]AAGAGGTCCAGGCGGCACTACAGGGCTGGGCGGGCCTGCGGGAGCTCCACGGGCAAGCTG-3'
Protein context (NP_000539.2, residues 1032-1052): RYVFSNFTAV[Pro1042=]KRSPVGEFLL